The following is an entry in ClinVar:

ClinVar aggregate classification (germline): Likely benign (1 of 4 stars; one submission).

gnomAD v4.1: 1,622 of 1,614,142 alleles (0.1%); highest among the groups gnomAD compares: Admixed American, 0.23%; 4 homozygotes.

Submission:

CeGaT Center for Human Genetics Tuebingen
Classification: Likely benign. Last evaluated: 2024-11-01. Review status: criteria provided, single submitter. Criteria: CeGaT Center For Human Genetics Tuebingen Variant Classification Criteria Version 2. Collection method: clinical testing. Allele origin: germline. Affected: yes. Observed: 1 variant allele.
Comment: TTC21A: BP4, BP7

NM_001366900.1(TTC21A):c.66C>T (p.His22=)

Gene: TTC21A (tetratricopeptide repeat domain 21A; plus strand). Cytogenetic location: 3p22.2.
Variant type: single nucleotide variant.
Coding change: c.66C>T on transcript NM_001366900.1 (MANE Select); coding-DNA position 66, C replaced by T.
Protein change: p.His22=; no amino-acid change (histidine 22 retained).
Molecular consequence: synonymous variant. On other transcripts: non-coding transcript variant (3).
Genome position (GRCh38, 1-based): chr3:39,109,123, C>T. VCF-style: chr3-39109123-C-T. GRCh37 (hg19) VCF-style: chr3-39150614-C-T.
Other names: c.66C>T, p.His22= (NM_001105513.3, NM_001366899.1, NM_145755.3).
Identifiers: ClinVar variation 3388204 (VCV003388204.14).